The following is an entry in ClinVar:

NM_001080394.4(SPIDR):c.881G>A (p.Arg294Lys)

Gene: SPIDR (scaffold protein involved in DNA repair; plus strand). Cytogenetic location: 8q11.21.
Variant type: single nucleotide variant.
Coding change: c.881G>A on transcript NM_001080394.4 (MANE Select); coding-DNA position 881, G replaced by A.
Protein change: p.Arg294Lys; replaces arginine 294 with lysine.
Molecular consequence: missense variant. On other transcripts: 5 prime UTR variant (6), non-coding transcript variant (5).
Genome position (GRCh38, 1-based): chr8:47,440,326, G>A. VCF-style: chr8-47440326-G-A. GRCh37 (hg19) VCF-style: chr8-48352888-G-A.
Other names: NC_000008.10:g.48352888G>A; c.671G>A, p.Arg224Lys (NM_001282916.1, NM_001352935.1, NM_001352936.1); c.701G>A, p.Arg234Lys (NM_001282919.1, NM_001352933.1, NM_001352937.1); c.881G>A, p.Arg294Lys (NM_001352931.1, NM_001352934.1, NM_001352961.1); c.761G>A, p.Arg254Lys (NM_001352932.1); c.389G>A, p.Arg130Lys (NM_001352938.1, NM_001352939.1, NM_001352940.1 and 2 more transcripts); c.365G>A, p.Arg122Lys (NM_001352941.1, NM_001352944.1); c.224G>A, p.Arg75Lys (NM_001352942.1, NM_001352949.1); and 4 more; short protein forms R122K, R254K, R224K, R130K, R234K, R75K, R294K, R44K.
Identifiers: ClinVar variation 4347365 (VCV004347365.2).

ClinVar aggregate classification (germline): Likely benign (1 of 4 stars; one submission).

gnomAD v4.1: 1,382 of 1,613,786 alleles (0.086%); highest among the groups gnomAD compares: South Asian, 0.69%; 11 homozygotes.

Submissions (3):

CeGaT Center for Human Genetics Tuebingen
Classification: Likely benign. Last evaluated: 2026-08-01. Review status: criteria provided, single submitter. Criteria: CeGaT Center For Human Genetics Tuebingen Variant Classification Criteria Version 2. Collection method: clinical testing. Allele origin: germline. Affected: yes. Observed: 1 variant allele.
Comment: SPIDR: BP4, BS2

Dr. Peter K. Rogan Lab, Western University
No classification provided (evidence only). Condition: Colon adenocarcinoma. Review status: no classification provided. Collection method: in vitro. Allele origin: not applicable. Functional consequence: retained intron. Not counted in ClinVar's aggregate classification.

Dr. Peter K. Rogan Lab, Western University
No classification provided (evidence only). Condition: Thyroid cancer, nonmedullary, 1. Review status: no classification provided. Collection method: in vitro. Allele origin: not applicable. Functional consequence: skipped exon. Not counted in ClinVar's aggregate classification.